The following is an entry in ClinVar:

NM_006059.4(LAMC3):c.1921C>T (p.Pro641Ser)

Gene: LAMC3 (laminin subunit gamma 3; plus strand). Cytogenetic location: 9q34.12.
Variant type: single nucleotide variant.
Coding change: c.1921C>T on transcript NM_006059.4 (MANE Select); coding-DNA position 1921, C replaced by T.
Protein change: p.Pro641Ser; replaces proline 641 with serine.
Molecular consequence: missense variant.
Genome position (GRCh38, 1-based): chr9:131,052,947, C>T. VCF-style: chr9-131052947-C-T. GRCh37 (hg19) VCF-style: chr9-133928334-C-T.
Other names: short protein forms P641S.
Identifiers: ClinVar variation 1367615 (VCV001367615.6), dbSNP rs2133282658, ClinGen allele CA375264557.

ClinVar aggregate classification (germline): Uncertain significance (1 of 4 stars; one submission).

Submission:

Labcorp Genetics (formerly Invitae), Labcorp
Classification: Uncertain significance. Last evaluated: 2021-07-20. Review status: criteria provided, single submitter. Criteria: Invitae Variant Classification Sherloc (09022015). Collection method: clinical testing. Allele origin: germline.
Comment: This variant is not present in population databases (ExAC no frequency). In summary, the available evidence is currently insufficient to determine the role of this variant in disease. Therefore, it has been classified as a Variant of Uncertain Significance. Algorithms developed to predict the effect of missense changes on protein structure and function output the following: SIFT: "Tolerated"; PolyPhen-2: "Benign"; Align-GVGD: "Class C0". The serine amino acid residue is found in multiple mammalian species, which suggests that this missense change does not adversely affect protein function. This variant has not been reported in the literature in individuals affected with LAMC3-related conditions. This sequence change replaces proline with serine at codon 641 of the LAMC3 protein (p.Pro641Ser). The proline residue is weakly conserved and there is a moderate physicochemical difference between proline and serine.